The following is an entry in ClinVar:

NM_003482.4(KMT2D):c.12943C>G (p.Gln4315Glu)

Gene: KMT2D (lysine methyltransferase 2D; minus strand). Cytogenetic location: 12q13.12.
Variant type: single nucleotide variant.
Coding change: c.12943C>G on transcript NM_003482.4 (MANE Select); coding-DNA position 12943, C replaced by G.
Protein change: p.Gln4315Glu; replaces glutamine 4315 with glutamic acid.
Molecular consequence: missense variant.
Genome position (GRCh38, 1-based): chr12:49,031,762, G>C on the plus strand (C>G on the coding strand, the complement: KMT2D is on the minus strand). VCF-style: chr12-49031762-G-C. GRCh37 (hg19) VCF-style: chr12-49425545-G-C.
Other names: short protein forms Q4315E.
Identifiers: ClinVar variation 2838042 (VCV002838042.3), dbSNP rs1942924286, ClinGen allele CA384708418.

ClinVar aggregate classification (germline): Uncertain significance (1 of 4 stars; one submission).

Conditions:
Kabuki syndrome. Also called: NIIKAWA-KUROKI SYNDROME; Kabuki make-up syndrome. Identifiers: Orphanet 2322, MedGen C0796004, MONDO:0016512.

Allele frequency attached by ClinVar (database versions not stated): gnomAD exomes below 0.00001.
gnomAD v4.1: 1 of 1,612,696 alleles (0.000062%); no homozygotes.

Submission:

Labcorp Genetics (formerly Invitae), Labcorp
Classification: Uncertain significance for Kabuki syndrome. Last evaluated: 2023-02-23. Review status: criteria provided, single submitter. Criteria: Invitae Variant Classification Sherloc (09022015). Collection method: clinical testing. Allele origin: germline.
Comment: This variant has not been reported in the literature in individuals affected with KMT2D-related conditions. In summary, the available evidence is currently insufficient to determine the role of this variant in disease. Therefore, it has been classified as a Variant of Uncertain Significance. Advanced modeling of protein sequence and biophysical properties (such as structural, functional, and spatial information, amino acid conservation, physicochemical variation, residue mobility, and thermodynamic stability) performed at Invitae indicates that this missense variant is not expected to disrupt KMT2D protein function. This variant is not present in population databases (gnomAD no frequency). This sequence change replaces glutamine, which is neutral and polar, with glutamic acid, which is acidic and polar, at codon 4315 of the KMT2D protein (p.Gln4315Glu).